The following is an entry in ClinVar:

NM_006015.6(ARID1A):c.5876C>T (p.Pro1959Leu)

Gene: ARID1A (AT-rich interaction domain 1A; plus strand). Cytogenetic location: 1p36.11.
Variant type: single nucleotide variant.
Coding change: c.5876C>T on transcript NM_006015.6 (MANE Select); coding-DNA position 5876, C replaced by T.
Protein change: p.Pro1959Leu; replaces proline 1959 with leucine.
Molecular consequence: missense variant.
Genome position (GRCh38, 1-based): chr1:26,779,774, C>T. VCF-style: chr1-26779774-C-T. GRCh37 (hg19) VCF-style: chr1-27106265-C-T.
Other names: c.5225C>T, p.Pro1742Leu (NM_139135.4); short protein forms P1742L, P1959L.
Identifiers: ClinVar variation 4822919 (VCV004822919.4).

ClinVar aggregate classification (germline): Uncertain significance (1 of 4 stars; one submission).

Submission:

CeGaT Center for Human Genetics Tuebingen
Classification: Uncertain significance. Last evaluated: 2026-01-01. Review status: criteria provided, single submitter. Criteria: CeGaT Center For Human Genetics Tuebingen Variant Classification Criteria Version 2. Collection method: clinical testing. Allele origin: germline. Affected: yes. Observed: 1 variant allele.
Comment: ARID1A: PM2